The following is an entry in ClinVar:

ClinVar aggregate classification (germline): Pathogenic/Likely pathogenic. Review status: criteria provided, multiple submitters, no conflicts (2 of 4 stars). 5 submissions from 5 submitters: Pathogenic (3); Likely pathogenic (2). Last evaluated 2026-04-02.

Conditions:
Marfan Syndrome/Loeys-Dietz Syndrome/Familial Thoracic Aortic Aneurysms and Dissections. Identifiers: MedGen CN229799.
Marfan syndrome (MFS). Also called: FBN1-Related Marfan Syndrome; Marfan syndrome, classic; MARFAN SYNDROME, TYPE I; Marfan syndrome type 1; Marfan's syndrome. Identifiers: Orphanet 284963, Orphanet 558, MedGen C0024796, MONDO:0007947, OMIM 154700.
Familial thoracic aortic aneurysm and aortic dissection (TAAD). Also called: Thoracic aortic aneurysms and dissections. Identifiers: Orphanet 91387, MedGen C4707243, MONDO:0019625.

Submissions (5):

Women's Health and Genetics/Laboratory Corporation of America, LabCorp
Classification: Pathogenic for Marfan Syndrome/Loeys-Dietz Syndrome/Familial Thoracic Aortic Aneurysms and Dissections. Last evaluated: 2026-04-02. Review status: criteria provided, single submitter. Criteria: LabCorp Variant Classification Summary - May 2015. Collection method: clinical testing. Allele origin: germline.
Comment: Variant summary: FBN1 c.5504G>A (p.Cys1835Tyr) results in a non-conservative amino acid change in the encoded protein sequence. Algorithms developed to predict the effect of missense changes on protein structure and function all suggest that this variant is likely to be disruptive. Missense mutations affecting or creating cysteine residues are listed among the criteria for a causal FBN1 mutation when identified as de novo (with proven paternity) in the revised Ghent criteria for the diagnosis of Marfan and related conditions (Loeys 2010). The variant was absent in 251256 control chromosomes. c.5504G>A has been observed in the heterozygous state in multiple individual(s) affected with Marfan Syndrome (example, Lauffer_2023, Shen_2025, Li_2014, Hernandiz_2020). These data indicate that the variant is likely to be associated with disease. The following publications have been ascertained in the context of this evaluation (PMID: 36380655, 41331757, 25053872, 33174221). ClinVar contains an entry for this variant (Variation ID: 42385). Based on the evidence outlined above, the variant was classified as pathogenic.

GeneDx
Classification: Pathogenic. Last evaluated: 2024-06-27. Review status: criteria provided, single submitter. Criteria: GeneDx Variant Classification Process June 2021. Collection method: clinical testing. Allele origin: germline. Affected: yes.
Comment: Not observed at significant frequency in large population cohorts (gnomAD); In silico analysis supports that this missense variant has a deleterious effect on protein structure/function; Affects a cysteine residue within an EGF-like domain of the FBN1 gene, which may affect disulfide bonding and is predicted to alter the structure and function of the protein; cysteine substitutions in the EGF-like domains represent the majority of pathogenic missense changes associated with FBN1-related disorders (PMID: 12938084); This variant is associated with the following publications: (PMID: 17657824, 10647894, 11700157, 11933199, 12938084, 34550612, 38190127, 33174221, 11826022)

3billion
Classification: Likely pathogenic for Marfan syndrome. Last evaluated: 2022-05-22. Review status: criteria provided, single submitter. Criteria: ACMG Guidelines, 2015. Collection method: clinical testing. Allele origin: germline. Affected: yes. Observed: 1 heterozygote.
Comment: The variant is not observed in the gnomAD v2.1.1 dataset. In silico tool predictions suggest damaging effect of the variant on gene or gene product (REVEL: 0.99; 3Cnet: 1.00). Same nucleotide change resulting in same amino acid change has been previously reported as pathogenic/likely pathogenic with strong evidence (ClinVar ID: VCV000042385). A different missense change at the same codon (p.Cys1835Ser) has been reported as pathogenic/likely pathogenic with strong evidence (ClinVar ID: VCV000237099, VCV000549282). Therefore, this variant is classified as likely pathogenic according to the recommendation of ACMG/AMP guideline.

Labcorp Genetics (formerly Invitae), Labcorp
Classification: Pathogenic for Marfan syndrome; Familial thoracic aortic aneurysm and aortic dissection. Last evaluated: 2020-09-24. Review status: criteria provided, single submitter. Criteria: Invitae Variant Classification Sherloc (09022015). Collection method: clinical testing. Allele origin: germline.
Comment: This variant has been observed in individual(s) with Marfan syndrome (PMID: 10647894, 11700157, 11826022). ClinVar contains an entry for this variant (Variation ID: 42385). For these reasons, this variant has been classified as Pathogenic. This variant affects a cysteine residue in the EGF-like, TGFBP or hybrid motif domains of FBN1. Cysteine residues are believed to be involved in intramolecular disulfide bridges and have been shown to be important for FBN1 protein structure (PMID: 16905551, 19349279). In addition, missense substitutions affecting cysteine residues within these domains are significantly overrepresented among patients with Marfan syndrome (PMID: 16571647, 17701892). Advanced modeling of protein sequence and biophysical properties (such as structural, functional, and spatial information, amino acid conservation, physicochemical variation, residue mobility, and thermodynamic stability) performed at Invitae indicates that this missense variant is expected to disrupt FBN1 protein function. This variant is not present in population databases (ExAC no frequency). This sequence change replaces cysteine with tyrosine at codon 1835 of the FBN1 protein (p.Cys1835Tyr). The cysteine residue is highly conserved and there is a large physicochemical difference between cysteine and tyrosine.

Laboratory for Molecular Medicine, Mass General Brigham Personalized Medicine
Classification: Likely pathogenic for Marfan syndrome. Last evaluated: 2012-05-22. Review status: criteria provided, single submitter. Criteria: LMM Criteria. Collection method: clinical testing. Allele origin: germline. Observed: 1 variant allele.
Comment: The Cys1835Tyr variant has been reported in 2 individuals with clinical features of Marfan syndrome (Halliday 1999, Loeys 2001). Functional studies using patien t-derived fibroblasts have shown that the Cys1835Tyr variant impacts the extrace llular secretion of fibrillin-1 (Halliday 1999). However, this cellular system m ay not accurately represent biological function. This residue is highly conserve d across species and computational analyses (biochemical amino acid properties, PolyPhen2, and SIFT) suggest that this variant may impact the protein, though th is information is not predictive enough to determine pathogenicity. The Cys1835T yr variant has been identified in 0.01% (1/1128) of chromosomes from a broad, th ough clinically and racially unspecified population (dbSNP rs111929350). This fr equency is not high enough to rule out a pathogenic role. Lastly, this variant a ffects a cysteine residue. Cysteine substitutions are a common finding in indivi duals with Marfan syndrome (Schrijver 1999). In summary, this variant is likely to be pathogenic, though further segregation studies and functional analyses are required to fully establish the pathogenicity of this variant.

Literature cited by the submitters: PubMed 25053872 (cited by Women's Health and Genetics/Laboratory Corporation of America, LabCorp); PubMed 36380655 (cited by Women's Health and Genetics/Laboratory Corporation of America, LabCorp); PubMed 33174221 (cited by Women's Health and Genetics/Laboratory Corporation of America, LabCorp); PubMed 41331757 (cited by Women's Health and Genetics/Laboratory Corporation of America, LabCorp); PubMed 10647894 (cited by Labcorp Genetics (formerly Invitae), Labcorp and Laboratory for Molecular Medicine, Mass General Brigham Personalized Medicine); PubMed 11700157 (cited by Labcorp Genetics (formerly Invitae), Labcorp and Laboratory for Molecular Medicine, Mass General Brigham Personalized Medicine); PubMed 11826022 (cited by Labcorp Genetics (formerly Invitae), Labcorp); PubMed 16905551 (cited by Labcorp Genetics (formerly Invitae), Labcorp); PubMed 19349279 (cited by Labcorp Genetics (formerly Invitae), Labcorp); PubMed 16571647 (cited by Labcorp Genetics (formerly Invitae), Labcorp); PubMed 17701892 (cited by Labcorp Genetics (formerly Invitae), Labcorp).

NM_000138.5(FBN1):c.5504G>A (p.Cys1835Tyr)

Gene: FBN1 (fibrillin 1; minus strand). Cytogenetic location: 15q21.1.
Variant type: single nucleotide variant.
Coding change: c.5504G>A on transcript NM_000138.5 (MANE Select); coding-DNA position 5504, G replaced by A.
Protein change: p.Cys1835Tyr; replaces cysteine 1835 with tyrosine.
Molecular consequence: missense variant.
Genome position (GRCh38, 1-based): chr15:48,452,603, C>T on the plus strand (G>A on the coding strand, the complement: FBN1 is on the minus strand). VCF-style: chr15-48452603-C-T. GRCh37 (hg19) VCF-style: chr15-48744800-C-T.
Other names: p.C1835Y:TGT>TAT; short protein forms C1835Y.
Identifiers: ClinVar variation 42385 (VCV000042385.17), dbSNP rs111929350, ClinGen allele CA015839.